The following is an entry in ClinVar:

NM_001136193.2(FASTKD2):c.352C>T (p.Gln118Ter)

Gene: FASTKD2 (FASTK mitochondrial RNA regulator 2; plus strand). Cytogenetic location: 2q33.3.
Variant type: single nucleotide variant.
Coding change: c.352C>T on transcript NM_001136193.2 (MANE Select); coding-DNA position 352, C replaced by T.
Protein change: p.Gln118Ter; replaces glutamine 118 with a stop codon.
Molecular consequence: nonsense.
Genome position (GRCh38, 1-based): chr2:206,767,045, C>T. VCF-style: chr2-206767045-C-T. GRCh37 (hg19) VCF-style: chr2-207631769-C-T.
Other names: c.352C>T, p.Gln118Ter (NM_001136194.2, NM_014929.4); short protein forms Q118*.
Identifiers: ClinVar variation 5006198 (VCV005006198.2).
Genomic context (GRCh38, chr2:206,767,045, plus strand): 5'-CTAACAGCCCTTAGAATTGAAAGACTACTTTATGCTAAAAGACTGTTTTTTGACTCAAAG[C>T]AGTCTCTTGTCCCTGTTGATAAATCTGATGATGAATTGAAGAAAGTAAACCTTAATCATG-3'

ClinVar aggregate classification (germline): Likely pathogenic (1 of 4 stars; one submission).

Conditions:
Combined oxidative phosphorylation deficiency 44. Also called: FASTKD2-Related Combined Oxidative Phosphorylation Deficiency. Identifiers: MedGen C5394293, MONDO:0030020, OMIM 618855.

gnomAD v4.1: 1 of 1,613,860 alleles (0.000062%); highest among the groups gnomAD compares: South Asian, 0.0011%; no homozygotes.

Submission:

Juno Genomics, Hangzhou Juno Genomics, Inc
Classification: Likely pathogenic for Combined oxidative phosphorylation deficiency 44. Review status: criteria provided, single submitter. Criteria: ACMG Guidelines, 2015. Collection method: clinical testing. Allele origin: germline.
Comment: Null variant in a gene where loss of function (LOF) is a known mechanism of disease.;Absent from controls (or at extremely low frequency if recessive) in Genome Aggregation Database.